The following is an entry in ClinVar:

NM_058216.3(RAD51C):c.776C>T (p.Thr259Ile)

Gene: RAD51C (RAD51 paralog C; plus strand). Cytogenetic location: 17q22.
Variant type: single nucleotide variant.
Coding change: c.776C>T on transcript NM_058216.3 (MANE Select); coding-DNA position 776, C replaced by T.
Protein change: p.Thr259Ile; replaces threonine 259 with isoleucine.
Molecular consequence: missense variant. On other transcripts: non-coding transcript variant (1).
Genome position (GRCh38, 1-based): chr17:58,709,929, C>T. VCF-style: chr17-58709929-C-T. GRCh37 (hg19) VCF-style: chr17-56787290-C-T.
Other names: c.*204C>T (NM_058217.1); c.776C>T (NM_058216.2); short protein forms T259I.
Identifiers: ClinVar variation 1760534 (VCV001760534.5), dbSNP rs1345932256, ClinGen allele CA400353912.

ClinVar aggregate classification (germline): Conflicting classifications of pathogenicity. Review status: criteria provided, conflicting classifications (1 of 4 stars). 2 submissions from 2 submitters: Uncertain significance (1); Benign (1). Last evaluated 2025-10-28.

Conditions:
RAD51C-related disorder. Also called: RAD51C-related disorders; RAD51C-related condition.
Hereditary cancer-predisposing syndrome. Also called: Tumor predisposition; Hereditary neoplastic syndrome; Hereditary Cancer Syndrome; Neoplastic Syndromes, Hereditary. Identifiers: Orphanet 140162, MedGen C0027672, MeSH D009386, MONDO:0015356.

Submissions (2):

Ambry Genetics
Classification: Benign for Hereditary cancer-predisposing syndrome. Last evaluated: 2025-10-28. Review status: criteria provided, single submitter. Criteria: Ambry Variant Classification Scheme 2023. Collection method: clinical testing. Allele origin: germline.

PreventionGenetics, part of Exact Sciences
Classification: Uncertain significance for RAD51C-related condition. Last evaluated: 2024-10-17. Review status: criteria provided, single submitter. Criteria: ACMG Guidelines, 2015. Collection method: clinical testing. Allele origin: germline.
Comment: The RAD51C c.776C>T variant is predicted to result in the amino acid substitution p.Thr259Ile. To our knowledge, this variant has not been reported in the literature or in a large population database (gnomAD), indicating this variant is rare. This variants is classified as a variant of uncertain significance in ClinVar. At this time, the clinical significance of this variant is uncertain due to the absence of conclusive functional and genetic evidence.